The following is an entry in ClinVar:

ClinVar aggregate classification (germline): Uncertain significance (1 of 4 stars; one submission).

Conditions:
Hereditary cancer-predisposing syndrome. Also called: Hereditary Cancer Syndrome; Hereditary neoplastic syndrome; Neoplastic Syndromes, Hereditary; Tumor predisposition. Identifiers: Orphanet 140162, MedGen C0027672, MeSH D009386, MONDO:0015356.

Submission:

Ambry Genetics
Classification: Uncertain significance for Hereditary cancer-predisposing syndrome. Last evaluated: 2026-09-09. Review status: criteria provided, single submitter. Criteria: Ambry Variant Classification Scheme 2023. Collection method: clinical testing. Allele origin: germline.
Comment: The p.D330V variant (also known as c.989A>T), located in coding exon 10 of the RB1 gene, results from an A to T substitution at nucleotide position 989. The aspartic acid at codon 330 is replaced by valine, an amino acid with highly dissimilar properties. This amino acid position is highly conserved in available vertebrate species. In addition, this alteration is predicted to be deleterious by in silico analysis. Based on the available evidence, the clinical significance of this variant remains unclear.

NM_000321.3(RB1):c.989A>T (p.Asp330Val)

Gene: RB1 (RB transcriptional corepressor 1; plus strand). Cytogenetic location: 13q14.2.
Variant type: single nucleotide variant.
Coding change: c.989A>T on transcript NM_000321.3 (MANE Select); coding-DNA position 989, A replaced by T.
Protein change: p.Asp330Val; replaces aspartic acid 330 with valine.
Molecular consequence: missense variant.
Genome position (GRCh38, 1-based): chr13:48,367,543, A>T. VCF-style: chr13-48367543-A-T. GRCh37 (hg19) VCF-style: chr13-48941679-A-T.
Other names: c.989A>T, p.Asp330Val (NM_001407165.1, NM_001407166.1); short protein forms D330V.
Identifiers: ClinVar variation 1768515 (VCV001768515.3), dbSNP rs2542188536, ClinGen allele CA388160737.
Genomic context (GRCh38, chr13:48,367,543, plus strand): 5'-TTTCTTTCAAGGTTGAAAATCTTTCTAAACGATACGAAGAAATTTATCTTAAAAATAAAG[A>T]TCTAGATGCAAGATTATTTTTGGATCATGATAAAACTCTTCAGACTGATTCTATAGACAG-3'
Protein context (NP_000312.2, residues 320-340): RYEEIYLKNK[Asp330Val]LDARLFLDHD